The following is an entry in ClinVar:

ClinVar aggregate classification (germline): Uncertain significance. Review status: criteria provided, multiple submitters, no conflicts (2 of 4 stars). 4 submissions from 4 submitters: Uncertain significance (4). Last evaluated 2025-10-22.

Conditions:
Inborn genetic diseases. Identifiers: MedGen C0950123, MeSH D030342.
Fetal akinesia deformation sequence 1 (FADS1). Also called: Pena-Shokeir syndrome type I; Fetal akinesia sequence. Identifiers: Orphanet 994, MedGen C1276035, MONDO:0100101, OMIM 208150, HP:0001989.
Congenital myasthenic syndrome 10. Also called: Myasthenia, limb-girdle, familial. Identifiers: Orphanet 590, MedGen C1850792, MONDO:0009690, OMIM 254300.

Allele frequency attached by ClinVar (database versions not stated): ExAC below 0.00001; gnomAD 0.00003; TOPMed 0.00003; gnomAD exomes 0.00004; ESP Exome Variant Server 0.00008.
gnomAD v4.1: 43 of 1,554,646 alleles (0.0028%); highest among the groups gnomAD compares: South Asian, 0.0082%; no homozygotes.

Submissions (4):

Ambry Genetics
Classification: Uncertain significance for Inborn genetic diseases. Last evaluated: 2025-10-22. Review status: criteria provided, single submitter. Criteria: Ambry Variant Classification Scheme 2023. Collection method: clinical testing. Allele origin: germline.

GeneDx
Classification: Uncertain significance. Last evaluated: 2025-01-29. Review status: criteria provided, single submitter. Criteria: GeneDx Variant Classification Process June 2021. Collection method: clinical testing. Allele origin: germline. Affected: yes.
Comment: Not observed at significant frequency in large population cohorts (gnomAD); In silico analysis supports that this missense variant has a deleterious effect on protein structure/function; Has not been previously published as pathogenic or benign to our knowledge

Labcorp Genetics (formerly Invitae), Labcorp
Classification: Uncertain significance for Congenital myasthenic syndrome 10; Fetal akinesia deformation sequence 1. Last evaluated: 2022-03-09. Review status: criteria provided, single submitter. Criteria: Invitae Variant Classification Sherloc (09022015). Collection method: clinical testing. Allele origin: germline.
Comment: This sequence change replaces arginine, which is basic and polar, with cysteine, which is neutral and slightly polar, at codon 332 of the DOK7 protein (p.Arg332Cys). This variant is present in population databases (rs200394790, gnomAD 0.01%). This variant has not been reported in the literature in individuals affected with DOK7-related conditions. ClinVar contains an entry for this variant (Variation ID: 198624). Algorithms developed to predict the effect of missense changes on protein structure and function (SIFT, PolyPhen-2, Align-GVGD) all suggest that this variant is likely to be disruptive. In summary, the available evidence is currently insufficient to determine the role of this variant in disease. Therefore, it has been classified as a Variant of Uncertain Significance.

Eurofins Ntd Llc (ga)
Classification: Uncertain significance. Last evaluated: 2015-02-19. Review status: criteria provided, single submitter. Criteria: EGL Classification Definitions 2015. Collection method: clinical testing. Allele origin: germline. Observed: 1 variant allele, 1 heterozygote.

NM_173660.5(DOK7):c.994C>T (p.Arg332Cys)

Gene: DOK7 (docking protein 7; plus strand). Cytogenetic location: 4p16.3.
Variant type: single nucleotide variant.
Coding change: c.994C>T on transcript NM_173660.5 (MANE Select); coding-DNA position 994, C replaced by T.
Protein change: p.Arg332Cys; replaces arginine 332 with cysteine.
Molecular consequence: missense variant. On other transcripts: 3 prime UTR variant (1).
Genome position (GRCh38, 1-based): chr4:3,492,980, C>T. VCF-style: chr4-3492980-C-T. GRCh37 (hg19) VCF-style: chr4-3494707-C-T.
Other names: c.*215C>T (NM_001164673.2); c.64C>T, p.Arg22Cys (NM_001256896.2); c.994C>T, p.Arg332Cys (NM_001301071.2); c.562C>T, p.Arg188Cys (NM_001363811.2); short protein forms R332C, R22C, R188C.
Identifiers: ClinVar variation 198624 (VCV000198624.14), dbSNP rs200394790, ClinGen allele CA247384.